The following is an entry in ClinVar:

NC_000019.9:g.(?_49713446)_(49714755_?)dup

Gene: TRPM4 (transient receptor potential cation channel subfamily M member 4; plus strand). Cytogenetic location: 19q13.33.
Variant type: Duplication.
Identifiers: ClinVar variation 2426331 (VCV002426331.3).

ClinVar aggregate classification (germline): Uncertain significance (1 of 4 stars; one submission).

Conditions:
Progressive familial heart block type IB (PFHB1B). Identifiers: Orphanet 871, MedGen C1970298, MONDO:0011474, OMIM 604559.

Submission:

Labcorp Genetics (formerly Invitae), Labcorp
Classification: Uncertain significance for Progressive familial heart block type IB. Last evaluated: 2023-08-27. Review status: criteria provided, single submitter. Criteria: Invitae Variant Classification Sherloc (09022015). Collection method: clinical testing. Allele origin: germline.
Comment: In summary, the available evidence is currently insufficient to determine the role of this variant in disease. Therefore, it has been classified as a Variant of Uncertain Significance. Experimental studies and prediction algorithms are not available or were not evaluated, and the functional significance of this variant is currently unknown. This variant has not been reported in the literature in individuals affected with TRPM4-related conditions. This variant results in a copy number gain of the genomic region encompassing exon(s) 21-25 of the TRPM4 gene. This region includes the termination codon of the gene. This copy number gain extends beyond the assayed region for this gene and therefore may encompass additional genes. As the precise location of this event is unknown, it may be in tandem or it may be located elsewhere in the genome.